The following is an entry in ClinVar:

ClinVar aggregate classification (germline): Likely benign. Review status: criteria provided, multiple submitters, no conflicts (2 of 4 stars). 2 submissions from 2 submitters: Likely benign (2). Last evaluated 2024-01-05.

Conditions:
Progressive sclerosing poliodystrophy (MTDPS4A). Also called: Alpers-Huttenlocher Syndrome; Mitochondrial DNA Depletion Syndrome 4A; Alpers-Huttenlocher Syndrome (AHS); ALPERS PROGRESSIVE INFANTILE POLIODYSTROPHY; Alpers Syndrome; ALPERS DIFFUSE DEGENERATION OF CEREBRAL GRAY MATTER WITH HEPATIC CIRRHOSIS. Identifiers: Orphanet 726, MedGen C0205710, MONDO:0008758, OMIM 203700.

Allele frequency attached by ClinVar (database versions not stated): ExAC 0.00001; gnomAD exomes 0.00001; TOPMed 0.00001.
gnomAD v4.1: 11 of 1,614,070 alleles (0.00068%); highest among the groups gnomAD compares: Non-Finnish European, 0.00093%; no homozygotes.

Submissions (2):

Labcorp Genetics (formerly Invitae), Labcorp
Classification: Likely benign for Progressive sclerosing poliodystrophy. Last evaluated: 2024-01-05. Review status: criteria provided, single submitter. Criteria: Invitae Variant Classification Sherloc (09022015). Collection method: clinical testing. Allele origin: germline.

CeGaT Center for Human Genetics Tuebingen
Classification: Likely benign. Last evaluated: 2022-05-01. Review status: criteria provided, single submitter. Criteria: CeGaT Center For Human Genetics Tuebingen Variant Classification Criteria Version 2. Collection method: clinical testing. Allele origin: germline. Affected: yes. Observed: 1 variant allele.
Comment: POLG: BP4, BP7

NM_002693.3(POLG):c.2031G>A (p.Glu677=)

Gene: POLG (DNA polymerase gamma, catalytic subunit; minus strand). Cytogenetic location: 15q26.1.
Variant type: single nucleotide variant.
Coding change: c.2031G>A on transcript NM_002693.3 (MANE Select); coding-DNA position 2031, G replaced by A.
Protein change: p.Glu677=; no amino-acid change (glutamic acid 677 retained).
Molecular consequence: synonymous variant.
Genome position (GRCh38, 1-based): chr15:89,324,146, C>T on the plus strand (G>A on the coding strand, the complement: POLG is on the minus strand). VCF-style: chr15-89324146-C-T. GRCh37 (hg19) VCF-style: chr15-89867377-C-T.
Other names: c.2031G>A, p.Glu677= (NM_001126131.2).
Identifiers: ClinVar variation 1110939 (VCV001110939.33), dbSNP rs753362163, ClinGen allele CA7724614.